The following is an entry in ClinVar:

ClinVar aggregate classification (germline): Benign/Likely benign. Review status: criteria provided, multiple submitters, no conflicts (2 of 4 stars). 16 submissions from 16 submitters: Benign (9); Likely benign (3). 4 of the submissions do not count toward it. Last evaluated 2026-01-25.

Conditions:
Inborn genetic diseases. Identifiers: MedGen C0950123, MeSH D030342.
SLC6A8-related disorder. Also called: SLC6A8-related condition.
Creatine transporter deficiency (CCDS1). Also called: CEREBRAL CREATINE DEFICIENCY SYNDROME 1; Mental retardation , X-linked with seizures, short stature and midface hypoplasia; Mental retardation , X-linked, with creatine transport deficiency; X-linked creatine transporter deficiency; X-linked creatine deficiency syndrome; SLC6A8-Related Creatine Transporter Deficiency. Identifiers: Orphanet 52503, MedGen C1845862, MONDO:0010305, OMIM 300352.
Intellectual disability. Also called: intellectual disabilities; Intellectual functioning disability; Intellectual developmental disorder. Identifiers: MedGen C3714756, MeSH D008607, MONDO:0001071, HP:0001249.

Allele frequency attached by ClinVar (database versions not stated): 1000 Genomes Project 0.00185; 1000 Genomes Project 30x 0.00208; gnomAD exomes 0.00215 and 0.00372; gnomAD 0.00229 and 0.00249; TOPMed 0.00241; ESP Exome Variant Server 0.00265.
gnomAD v4.1: 4,324 of 1,202,327 alleles (0.36%); highest among the groups gnomAD compares: Non-Finnish European, 0.44%; 7 homozygotes.

Submissions (16):

Labcorp Genetics (formerly Invitae), Labcorp
Classification: Benign for Creatine transporter deficiency. Last evaluated: 2026-01-25. Review status: criteria provided, single submitter. Criteria: Invitae Variant Classification Sherloc (09022015). Collection method: clinical testing. Allele origin: germline.

Mayo Clinic Laboratories, Mayo Clinic
Classification: Benign. Last evaluated: 2025-02-14. Review status: criteria provided, single submitter. Criteria: ACMG Guidelines, 2015. Collection method: clinical testing. Allele origin: germline. Observed: 5 variant alleles.
Comment: BA1, BP4, BP7

Blueprint Genetics
Classification: Likely benign. Last evaluated: 2024-11-27. Review status: criteria provided, single submitter. Criteria: ACMG Guidelines, 2015. Collection method: clinical testing. Allele origin: germline.

Fulgent Genetics
Classification: Likely benign for Creatine transporter deficiency. Last evaluated: 2022-05-16. Review status: criteria provided, single submitter. Criteria: ACMG Guidelines, 2015. Collection method: clinical testing. Allele origin: unknown.

Genome-Nilou Lab
Classification: Benign for Creatine transporter deficiency. Last evaluated: 2021-05-18. Review status: criteria provided, single submitter. Criteria: ACMG Guidelines, 2015. Collection method: clinical testing. Allele origin: germline. Affected: no.

GeneDx
Classification: Likely benign. Last evaluated: 2020-12-15. Review status: criteria provided, single submitter. Criteria: GeneDx Variant Classification Process June 2021. Collection method: clinical testing. Allele origin: germline. Affected: yes.
Comment: This variant is associated with the following publications: (PMID: 15154114, 20717164, 16738945)

Cambridge Genomics Laboratory, East Genomic Laboratory Hub, NHS Genomic Medicine Service
Classification: Benign for Intellectual disability. Last evaluated: 2019-11-26. Review status: criteria provided, single submitter. Criteria: ACGS Best Practice Guidelines for Variant Classification in Rare Disease 2020. Collection method: clinical testing. Allele origin: germline. Affected: yes. Observed: 1 variant allele.

Athena Diagnostics
Classification: Benign. Last evaluated: 2019-05-17. Review status: criteria provided, single submitter. Criteria: Athena Diagnostics Criteria. Collection method: clinical testing. Allele origin: germline.

Institute for Genomic Medicine (IGM) Clinical Laboratory, Nationwide Children's Hospital
Classification: Benign. Last evaluated: 2017-06-30. Review status: criteria provided, single submitter. Criteria: ACMG Guidelines, 2015. Collection method: clinical testing. Allele origin: germline.
Comment: BS1, BS2, BP6; This alteration has an allele frequency that is greater than expected for the associated disease, was seen in a healthy adult where full penetrance of the disorder is expected at an early age, and was reported as a benign/likely benign alteration by a reputable source (ClinVar or other correspondence from a clinical testing laboratory).

Ambry Genetics
Classification: Benign for Inborn genetic diseases. Last evaluated: 2016-09-02. Review status: criteria provided, single submitter. Criteria: Ambry Variant Classification Scheme 2023. Collection method: clinical testing. Allele origin: germline.

Genetic Services Laboratory, University of Chicago
Classification: Benign. Last evaluated: 2016-07-01. Review status: criteria provided, single submitter. Criteria: ACMG Guidelines, 2015. Collection method: clinical testing. Allele origin: germline. Affected: no.

Genomic Diagnostic Laboratory, Division of Genomic Diagnostics, Children's Hospital of Philadelphia
Classification: Benign. Last evaluated: 2015-08-19. Review status: criteria provided, single submitter. Criteria: DGD Variant Analysis Guidelines. Collection method: clinical testing. Allele origin: unknown.

PreventionGenetics, part of Exact Sciences
Classification: Benign for SLC6A8-related condition. Last evaluated: 2024-05-17. Review status: no assertion criteria provided. Collection method: clinical testing. Allele origin: germline. Not counted in ClinVar's aggregate classification.
Comment: This variant is classified as benign based on ACMG/AMP sequence variant interpretation guidelines (Richards et al. 2015 PMID: 25741868, with internal and published modifications).

Clinical Genetics DNA and cytogenetics Diagnostics Lab, Erasmus MC, Erasmus Medical Center
Classification: Benign. Review status: no assertion criteria provided. Collection method: clinical testing. Allele origin: germline. Affected: yes. Study: VKGL Data-share Consensus. Not counted in ClinVar's aggregate classification.

Genome Diagnostics Laboratory, University Medical Center Utrecht
Classification: Likely benign. Review status: no assertion criteria provided. Collection method: clinical testing. Allele origin: germline. Affected: yes. Study: VKGL Data-share Consensus. Not counted in ClinVar's aggregate classification.

Laboratory of Diagnostic Genome Analysis, Leiden University Medical Center (LUMC)
Classification: Likely benign. Review status: no assertion criteria provided. Collection method: clinical testing. Allele origin: germline. Affected: yes. Study: VKGL Data-share Consensus. Not counted in ClinVar's aggregate classification.

Literature cited by the submitters: PubMed 15154114 (cited by Mayo Clinic Laboratories, Mayo Clinic and Athena Diagnostics); PubMed 16738945 (cited by Mayo Clinic Laboratories, Mayo Clinic); PubMed 20717164 (cited by Mayo Clinic Laboratories, Mayo Clinic and Athena Diagnostics).

NM_005629.4(SLC6A8):c.1494C>T (p.Tyr498=)

Gene: SLC6A8 (solute carrier family 6 member 8; plus strand). Cytogenetic location: Xq28.
Variant type: single nucleotide variant.
Coding change: c.1494C>T on transcript NM_005629.4 (MANE Select); coding-DNA position 1494, C replaced by T.
Protein change: p.Tyr498=; no amino-acid change (tyrosine 498 retained).
Molecular consequence: synonymous variant.
Genome position (GRCh38, 1-based): chrX:153,694,445, C>T. VCF-style: chrX-153694445-C-T. GRCh37 (hg19) VCF-style: chrX-152959900-C-T.
Other names: p.Tyr498=; c.1464C>T, p.Tyr488= (NM_001142805.2); c.1149C>T, p.Tyr383= (NM_001142806.1).
Identifiers: ClinVar variation 240195 (VCV000240195.40), dbSNP rs143916832, ClinGen allele CA10549528.